The following is an entry in ClinVar:

ClinVar aggregate classification (germline): Uncertain significance (1 of 4 stars; one submission).

Conditions:
CACNA1C-related disorder. Also called: CACNA1C-related condition; CACNA1C-related disorders. Identifiers: MedGen CN381092, MONDO:0700321.

Submission:

PreventionGenetics, part of Exact Sciences
Classification: Uncertain significance for CACNA1C-related condition. Last evaluated: 2026-07-15. Review status: criteria provided, single submitter. Criteria: ACMG Guidelines, 2015. Collection method: clinical testing. Allele origin: germline.
Comment: The CACNA1C c.6131_6133delAAG variant is predicted to result in an in-frame deletion (p.Glu2044del). To our knowledge, this variant has not been reported in the literature or in a large population database (gnomAD), indicating this variant is rare. At this time, the clinical significance of this variant is uncertain due to the absence of conclusive functional and genetic evidence.

NM_000719.7(CACNA1C):c.6131_6133del (p.Glu2044del)

Genes: CACNA1C (calcium voltage-gated channel subunit alpha1 C; plus strand), CACNA1C-AS1 (CACNA1C antisense RNA 1; minus strand). Cytogenetic location: 12p13.33.
Variant type: Deletion.
Coding change: c.6131_6133del on transcript NM_000719.7 (MANE Select); coding-DNA positions 6131 to 6133, 3 bases deleted (AAG; older notation c.6131_6133delAAG).
Protein change: p.Glu2044del; deletes glutamic acid 2044.
Molecular consequence: inframe deletion. On other transcripts: non-coding transcript variant (1).
Genome position (GRCh38, 1-based): chr12:2,690,913-2,690,915, AAG deleted; deleting any 3 consecutive bases within chr12:2,690,911-2,690,915 gives the same sequence; the c. name uses the placement nearest the transcript's 3' end. VCF-style (leftmost placement, unchanged base first): chr12-2690910-CAGA-C. GRCh37 (hg19) VCF-style: chr12-2800076-CAGA-C.
Other names: c.6275_6277del, p.Glu2092del (NM_001129827.2); c.6254_6256del, p.Glu2085del (NM_001129829.2); c.6236_6238del, p.Glu2079del (NM_001129830.3, NM_001167624.3); c.6215_6217del, p.Glu2072del (NM_001129831.2); c.6191_6193del, p.Glu2064del (NM_001129832.2); c.6188_6190del, p.Glu2063del (NM_001129833.2, NM_001129834.2, NM_001129835.2); c.6182_6184del, p.Glu2061del (NM_001129836.2); c.6155_6157del, p.Glu2052del (NM_001129837.2, NM_001129838.2); and 6 more; short protein forms E2033del, E2063del, E2072del, E2041del, E2064del, E2079del, E2061del, E2127del.
Identifiers: ClinVar variation 4985718 (VCV004985718.1).